The following is an entry in ClinVar:

ClinVar aggregate classification (germline): Uncertain significance (1 of 4 stars; one submission).

gnomAD v4.1: 2 of 1,612,912 alleles (0.00012%); highest among the groups gnomAD compares: Non-Finnish European, 0.00017%; no homozygotes.

Submission:

Labcorp Genetics (formerly Invitae), Labcorp
Classification: Uncertain significance. Last evaluated: 2024-11-13. Review status: criteria provided, single submitter. Criteria: Invitae Variant Classification Sherloc (09022015). Collection method: clinical testing. Allele origin: germline.
Comment: This sequence change replaces alanine, which is neutral and non-polar, with threonine, which is neutral and polar, at codon 273 of the CDC6 protein (p.Ala273Thr). This variant is present in population databases (rs767841312, gnomAD 0.0009%). This variant has not been reported in the literature in individuals affected with CDC6-related conditions. An algorithm developed to predict the effect of missense changes on protein structure and function (PolyPhen-2) suggests that this variant is likely to be tolerated. In summary, the available evidence is currently insufficient to determine the role of this variant in disease. Therefore, it has been classified as a Variant of Uncertain Significance.

NM_001254.4(CDC6):c.817G>A (p.Ala273Thr)

Gene: CDC6 (cell division cycle 6; plus strand). Cytogenetic location: 17q21.2.
Variant type: single nucleotide variant.
Coding change: c.817G>A on transcript NM_001254.4 (MANE Select); coding-DNA position 817, G replaced by A.
Protein change: p.Ala273Thr; replaces alanine 273 with threonine.
Molecular consequence: missense variant.
Genome position (GRCh38, 1-based): chr17:40,293,612, G>A. VCF-style: chr17-40293612-G-A. GRCh37 (hg19) VCF-style: chr17-38449864-G-A.
Other names: short protein forms A273T.
Identifiers: ClinVar variation 3716054 (VCV003716054.2).